The following is an entry in ClinVar:

ClinVar aggregate classification (germline): Likely benign (1 of 4 stars; one submission).

gnomAD v4.1: 35 of 1,613,846 alleles (0.0022%); highest among the groups gnomAD compares: Non-Finnish European, 0.0029%; no homozygotes.

Submission:

CeGaT Center for Human Genetics Tuebingen
Classification: Likely benign. Last evaluated: 2025-05-01. Review status: criteria provided, single submitter. Criteria: CeGaT Center For Human Genetics Tuebingen Variant Classification Criteria Version 2. Collection method: clinical testing. Allele origin: germline. Affected: yes. Observed: 1 variant allele.
Comment: SARM1: BP4, BP7

NM_015077.4(SARM1):c.2025G>A (p.Val675=)

Genes: SARM1 (sterile alpha and TIR motif containing 1; plus strand), SLC46A1 (solute carrier family 46 member 1; minus strand). Cytogenetic location: 17q11.2.
Variant type: single nucleotide variant.
Coding change: c.2025G>A on transcript NM_015077.4 (MANE Select); coding-DNA position 2025, G replaced by A.
Protein change: p.Val675=; no amino-acid change (valine 675 retained).
Molecular consequence: synonymous variant. On other transcripts: 3 prime UTR variant (2).
Genome position (GRCh38, 1-based): chr17:28,396,006, G>A. VCF-style: chr17-28396006-G-A. GRCh37 (hg19) VCF-style: chr17-26723025-G-A.
Other names: c.*3650C>T (NM_001242366.3, NM_080669.6).
Identifiers: ClinVar variation 3905107 (VCV003905107.10).